The following is an entry in ClinVar:

ClinVar aggregate classification (germline): Uncertain significance (1 of 4 stars; one submission).

Allele frequency attached by ClinVar (database versions not stated): ExAC 0.00002; gnomAD exomes 0.00002 and 0.00009; gnomAD 0.00004 and 0.00005; TOPMed 0.00006.

Submission:

GeneDx
Classification: Uncertain significance. Last evaluated: 2022-12-08. Review status: criteria provided, single submitter. Criteria: GeneDx Variant Classification Process June 2021. Collection method: clinical testing. Allele origin: germline. Affected: yes.
Comment: Not observed at a significant frequency in large population cohorts (gnomAD); Frameshift variant predicted to result in protein truncation or nonsense mediated decay in a gene or region of a gene for which loss of function is not a well-established mechanism of disease; Has not been previously published as pathogenic or benign to our knowledge

NM_016953.4(PDE11A):c.1332del (p.Met445fs)

Gene: PDE11A (phosphodiesterase 11A; minus strand). Cytogenetic location: 2q31.2.
Variant type: Deletion.
Coding change: c.1332del on transcript NM_016953.4 (MANE Select); coding-DNA position 1332, one base deleted (G; older notation c.1332delG).
Protein change: p.Met445fs; shifts the reading frame from methionine 445.
Molecular consequence: frameshift variant. On other transcripts: 5 prime UTR variant (1).
Genome position (GRCh38, 1-based): chr2:177,875,894, C deleted on the plus strand (G on the coding strand, the reverse complement: PDE11A is on the minus strand). VCF-style (leftmost placement, unchanged base first): chr2-177875893-TC-T. GRCh37 (hg19) VCF-style: chr2-178740620-TC-T.
Other names: c.1332delG (NM_016953.3); c.-1del (NM_001077196.2); c.582del, p.Met195fs (NM_001077197.2); c.258del, p.Met87fs (NM_001077358.2); short protein forms M195fs, M445fs, M87fs.
Identifiers: ClinVar variation 1213493 (VCV001213493.4), dbSNP rs757360600, ClinGen allele CA1982017.